The following is an entry in ClinVar:

ClinVar aggregate classification (germline): Pathogenic/Likely pathogenic. Review status: criteria provided, multiple submitters, no conflicts (2 of 4 stars). 5 submissions from 4 submitters: Pathogenic (1); Likely pathogenic (2). 2 of the submissions do not count toward it. Last evaluated 2023-11-04.

Conditions:
Usher syndrome type 2A. Also called: RETINAL DISEASE IN USHER SYNDROME TYPE IIA, MODIFIER OF; USHER SYNDROME, TYPE IIA. Identifiers: Orphanet 231178, Orphanet 886, MedGen C1848634, MONDO:0010169, OMIM 276901.
Retinitis pigmentosa 39 (RP39). Identifiers: Orphanet 791, MedGen C3151138, MONDO:0013436, OMIM 613809.
Retinitis pigmentosa (RP). Identifiers: Orphanet 791, MedGen C0035334, MeSH D012174, MONDO:0019200, OMIM 268000. Inheritance: Autosomal dominant, autosomal recessive and X linked inheritance.

Allele frequency attached by ClinVar (database versions not stated): gnomAD exomes below 0.00001.
gnomAD v4.1: 1 of 1,613,826 alleles (0.000062%); highest among the groups gnomAD compares: Non-Finnish European, 0.000085%; no homozygotes.

Submissions (5):

Genome-Nilou Lab
Classification: Likely pathogenic for Retinitis pigmentosa 39. Last evaluated: 2023-11-04. Review status: criteria provided, single submitter. Criteria: ACMG Guidelines, 2015. Collection method: clinical testing. Allele origin: germline. Affected: no.

Genome-Nilou Lab
Classification: Likely pathogenic for Usher syndrome type 2A. Last evaluated: 2023-11-04. Review status: criteria provided, single submitter. Criteria: ACMG Guidelines, 2015. Collection method: clinical testing. Allele origin: germline. Affected: no.

Labcorp Genetics (formerly Invitae), Labcorp
Classification: Pathogenic. Last evaluated: 2019-02-12. Review status: criteria provided, single submitter. Criteria: Invitae Variant Classification Sherloc (09022015). Collection method: clinical testing. Allele origin: germline.
Comment: For these reasons, this variant has been classified as Pathogenic. Loss-of-function variants in USH2A are known to be pathogenic (PMID: 10729113, 10909849, 20507924, 25649381). Algorithms developed to predict the effect of sequence changes on RNA splicing suggest that this variant may create or strengthen a splice site, but this prediction has not been confirmed by published transcriptional studies. This variant has been observed in an individual affected with a USH2A-related condition (PMID: 28041643). ClinVar contains an entry for this variant (Variation ID: 438038). This variant is not present in population databases (ExAC no frequency). This sequence change creates a premature translational stop signal (p.Gln3326*) in the USH2A gene. It is expected to result in an absent or disrupted protein product.

Counsyl
Classification: Likely pathogenic for Usher syndrome type 2A; Retinitis pigmentosa 39. Last evaluated: 2017-11-17. Review status: no assertion criteria provided. Collection method: clinical testing. Allele origin: unknown. Not counted in ClinVar's aggregate classification.

NIHR Bioresource Rare Diseases, University of Cambridge
Classification: Uncertain significance for Retinitis pigmentosa. Last evaluated: 2015-01-01. Review status: flagged submission. Collection method: research. Allele origin: unknown. Affected: yes. Observed: 1 variant allele. Not counted in ClinVar's aggregate classification.
ClinVar note: Reason: Older and outlier claim with insufficient supporting evidence

Literature cited by the submitters: PubMed 10729113 (cited by Labcorp Genetics (formerly Invitae), Labcorp); PubMed 10909849 (cited by Labcorp Genetics (formerly Invitae), Labcorp); PubMed 20507924 (cited by Labcorp Genetics (formerly Invitae), Labcorp); PubMed 25649381 (cited by Labcorp Genetics (formerly Invitae), Labcorp); PubMed 28041643 (cited by 3 submitters).

NM_206933.4(USH2A):c.9976C>T (p.Gln3326Ter)

Gene: USH2A (usherin; minus strand). Cytogenetic location: 1q41.
Variant type: single nucleotide variant.
Coding change: c.9976C>T on transcript NM_206933.4 (MANE Select); coding-DNA position 9976, C replaced by T.
Protein change: p.Gln3326Ter; replaces glutamine 3326 with a stop codon.
Molecular consequence: nonsense.
Genome position (GRCh38, 1-based): chr1:215,790,265, G>A on the plus strand (C>T on the coding strand, the complement: USH2A is on the minus strand). VCF-style: chr1-215790265-G-A. GRCh37 (hg19) VCF-style: chr1-215963607-G-A.
Other names: short protein forms Q3326*.
Identifiers: ClinVar variation 438038 (VCV000438038.13), dbSNP rs1288381992, ClinGen allele CA344844828.
Genomic context (GRCh38, chr1:215,790,265, plus strand): 5'-CTTTAGACTCTCCACTGGAAGCTGAGCAGCATATGGTATCTGACATATTCACATAATCCT[G>A]CCCACAACAGAACATACCTGCAACAATAAAATGTTATATATGAATATGAAATAGAAAAAG-3'